The following is an entry in ClinVar:

ClinVar aggregate classification (germline): Conflicting classifications of pathogenicity. Review status: criteria provided, conflicting classifications (1 of 4 stars). 5 submissions from 5 submitters: Uncertain significance (4); Likely benign (1). Last evaluated 2025-04-09.

Conditions:
TTN-related disorder. Also called: TTN-related condition; TTN-related disease; TTN-related disorders.
Autosomal recessive limb-girdle muscular dystrophy type 2J (LGMDR10). Also called: Limb-girdle muscular dystrophy, type 2J; MUSCULAR DYSTROPHY, LIMB-GIRDLE, AUTOSOMAL RECESSIVE 10. Identifiers: Orphanet 140922, MedGen C1837342, MONDO:0012127, OMIM 608807.
Dilated cardiomyopathy 1G (CMD1G). Identifiers: Orphanet 154, MedGen C1858763, MONDO:0011400, OMIM 604145.
Hypertrophic cardiomyopathy 9. Also called: Familial hypertrophic cardiomyopathy 9. Identifiers: MedGen C1861065, MONDO:0013412, OMIM 613765.
Myopathy, myofibrillar, 9, with early respiratory failure (MFM9). Also called: Hereditary myopathy with early respiratory failure; MYOPATHY, PROXIMAL, WITH EARLY RESPIRATORY MUSCLE INVOLVEMENT; EDSTROM MYOPATHY; Myopathy, distal, with early respiratory failure, autosomal dominant. Identifiers: Orphanet 178464, Orphanet 34521, MedGen C1863599, MONDO:0011362, OMIM 603689.
Tibial muscular dystrophy (TMD). Also called: Udd Distal Myopathy – Tibial Muscular Dystrophy; UDD MYOPATHY; Tibial muscular dystrophy, tardive. Identifiers: Orphanet 609, MedGen C1838244, MONDO:0010870, OMIM 600334.
Early-onset myopathy with fatal cardiomyopathy (CMYO5). Also called: Salih Myopathy; CONGENITAL MYOPATHY 5 WITH CARDIOMYOPATHY. Identifiers: Orphanet 289377, MedGen C2673677, MONDO:0012714, OMIM 611705. Disease mechanism: loss of function.

Allele frequency attached by ClinVar (database versions not stated): TOPMed 0.00002; gnomAD 0.00003.
gnomAD v4.1: 46 of 1,613,378 alleles (0.0029%); highest among the groups gnomAD compares: Non-Finnish European, 0.0036%; no homozygotes.

Submissions (5):

Molecular Diagnostic Laboratory for Inherited Cardiovascular Disease, Montreal Heart Institute
Classification: Likely benign. Last evaluated: 2025-04-09. Review status: criteria provided, single submitter. Criteria: ACMG Guidelines, 2015. Collection method: clinical testing. Allele origin: germline. Affected: no.

PreventionGenetics, part of Exact Sciences
Classification: Uncertain significance for TTN-related condition. Last evaluated: 2024-12-06. Review status: criteria provided, single submitter. Criteria: ACMG Guidelines, 2015. Collection method: clinical testing. Allele origin: germline.
Comment: The TTN c.25180T>G variant is predicted to result in the amino acid substitution p.Tyr8394Asp. To our knowledge, this variant has not been reported in the literature. This variant is reported in 0.0028% of alleles in individuals of Latino descent in gnomAD. At this time, the clinical significance of this variant is uncertain due to the absence of conclusive functional and genetic evidence.

Revvity Omics, Revvity
Classification: Uncertain significance. Last evaluated: 2024-06-06. Review status: criteria provided, single submitter. Criteria: ACMG Guidelines, 2015. Collection method: clinical testing. Allele origin: germline.

Fulgent Genetics
Classification: Uncertain significance for Tibial muscular dystrophy; Myopathy, myofibrillar, 9, with early respiratory failure; Dilated cardiomyopathy 1G; Autosomal recessive limb-girdle muscular dystrophy type 2J; Early-onset myopathy with fatal cardiomyopathy; Hypertrophic cardiomyopathy 9. Last evaluated: 2021-11-01. Review status: criteria provided, single submitter. Criteria: ACMG Guidelines, 2015. Collection method: clinical testing. Allele origin: unknown.

Labcorp Genetics (formerly Invitae), Labcorp
Classification: Uncertain significance for Dilated cardiomyopathy 1G; Autosomal recessive limb-girdle muscular dystrophy type 2J. Last evaluated: 2017-03-10. Review status: criteria provided, single submitter. Criteria: Invitae Variant Classification Sherloc (09022015). Collection method: clinical testing. Allele origin: germline.

NM_001267550.2(TTN):c.25180T>G (p.Tyr8394Asp)

Gene: TTN (titin; minus strand). Cytogenetic location: 2q31.2.
Variant type: single nucleotide variant.
Coding change: c.25180T>G on transcript NM_001267550.2 (MANE Select); coding-DNA position 25180, T replaced by G.
Protein change: p.Tyr8394Asp; replaces tyrosine 8394 with aspartic acid.
Molecular consequence: missense variant. On other transcripts: intron variant (3).
Genome position (GRCh38, 1-based): chr2:178,717,694, A>C on the plus strand (T>G on the coding strand, the complement: TTN is on the minus strand). VCF-style: chr2-178717694-A-C. GRCh37 (hg19) VCF-style: chr2-179582421-A-C.
Other names: c.24229T>G, p.Tyr8077Asp (NM_001256850.1); c.21448T>G, p.Tyr7150Asp (NM_133378.4); c.13282+20388T>G (NM_003319.4); c.13858+20388T>G (NM_133437.4); c.13657+20388T>G (NM_133432.3); short protein forms Y8394D, Y8077D, Y7150D.
Identifiers: ClinVar variation 466944 (VCV000466944.7), dbSNP rs898098652, ClinGen allele CA60970212.
Genomic context (GRCh38, chr2:178,717,694, plus strand): 5'-CATTATGAACAAAAGATGTCTGCAAATTAGCATCATCTTTCAAAAGAACCCCATCCTTGT[A>C]CCAAGACACTTGAAGAGGTTCTGAGCCATTGATGCGGCATTCAAATGCAACTGGGAAGCC-3'
Protein context (NP_001254479.2, residues 8384-8404): NGSEPLQVSW[Tyr8394Asp]KDGVLLKDDA